The following is an entry in ClinVar:

ClinVar aggregate classification (germline): Uncertain significance (1 of 4 stars; one submission).

Allele frequency attached by ClinVar (database versions not stated): TOPMed 0.00001; ExAC 0.00009.
gnomAD v4.1: 72 of 1,608,252 alleles (0.0045%); highest among the groups gnomAD compares: Middle Eastern, 0.016%; no homozygotes.

Submission:

Labcorp Genetics (formerly Invitae), Labcorp
Classification: Uncertain significance. Last evaluated: 2024-03-16. Review status: criteria provided, single submitter. Criteria: Invitae Variant Classification Sherloc (09022015). Collection method: clinical testing. Allele origin: germline.
Comment: This sequence change replaces proline, which is neutral and non-polar, with threonine, which is neutral and polar, at codon 768 of the PLEKHM2 protein (p.Pro768Thr). This variant is present in population databases (rs754341890, gnomAD 0.2%), and has an allele count higher than expected for a pathogenic variant. This variant has not been reported in the literature in individuals affected with PLEKHM2-related conditions. ClinVar contains an entry for this variant (Variation ID: 544349). An algorithm developed to predict the effect of missense changes on protein structure and function (PolyPhen-2) suggests that this variant is likely to be tolerated. In summary, the available evidence is currently insufficient to determine the role of this variant in disease. Therefore, it has been classified as a Variant of Uncertain Significance.

NM_015164.4(PLEKHM2):c.2302C>A (p.Pro768Thr)

Gene: PLEKHM2 (pleckstrin homology and RUN domain containing M2; plus strand). Cytogenetic location: 1p36.21.
Variant type: single nucleotide variant.
Coding change: c.2302C>A on transcript NM_015164.4 (MANE Select); coding-DNA position 2302, C replaced by A.
Protein change: p.Pro768Thr; replaces proline 768 with threonine.
Molecular consequence: missense variant.
Genome position (GRCh38, 1-based): chr1:15,730,625, C>A. VCF-style: chr1-15730625-C-A. GRCh37 (hg19) VCF-style: chr1-16057120-C-A.
Other names: short protein forms P768T.
Identifiers: ClinVar variation 544349 (VCV000544349.11), dbSNP rs754341890, ClinGen allele CA617209.